The following is an entry in ClinVar:

NM_012200.4(B3GAT3):c.334G>T (p.Glu112Ter)

Gene: B3GAT3 (beta-1,3-glucuronyltransferase 3; minus strand). Cytogenetic location: 11q12.3.
Variant type: single nucleotide variant.
Coding change: c.334G>T on transcript NM_012200.4 (MANE Select); coding-DNA position 334, G replaced by T.
Protein change: p.Glu112Ter; replaces glutamic acid 112 with a stop codon.
Molecular consequence: nonsense. On other transcripts: non-coding transcript variant (1).
Genome position (GRCh38, 1-based): chr11:62,617,271, C>A on the plus strand (G>T on the coding strand, the complement: B3GAT3 is on the minus strand). VCF-style: chr11-62617271-C-A. GRCh37 (hg19) VCF-style: chr11-62384743-C-A.
Other names: c.313G>T, p.Glu105Ter (NM_001288721.2); c.334G>T, p.Glu112Ter (NM_001288722.2, NM_001288723.2); short protein forms E112*, E105*.
Identifiers: ClinVar variation 2890773 (VCV002890773.4), dbSNP rs1943052192, ClinGen allele CA380977203.

ClinVar aggregate classification (germline): Pathogenic/Likely pathogenic. Review status: criteria provided, multiple submitters, no conflicts (2 of 4 stars). 2 submissions from 2 submitters: Pathogenic (1); Likely pathogenic (1). Last evaluated 2024-04-11.

Conditions:
Larsen-like syndrome, B3GAT3 type. Also called: Multiple joint dislocations, short stature, craniofacial dysmorphism, with or without congenital heart defects; MULTIPLE JOINT DISLOCATIONS, SHORT STATURE, AND CRANIOFACIAL DYSMORPHISM WITH OR WITHOUT CONGENITAL HEART DEFECTS. Identifiers: Orphanet 284139, MedGen CN034159, MONDO:0009511, OMIM 245600.

Submissions (2):

Revvity Omics, Revvity
Classification: Likely pathogenic for Larsen-like syndrome, B3GAT3 type. Last evaluated: 2024-04-11. Review status: criteria provided, single submitter. Criteria: ACMG Guidelines, 2015. Collection method: clinical testing. Allele origin: germline.

Labcorp Genetics (formerly Invitae), Labcorp
Classification: Pathogenic for Larsen-like syndrome, B3GAT3 type. Last evaluated: 2023-09-11. Review status: criteria provided, single submitter. Criteria: Invitae Variant Classification Sherloc (09022015). Collection method: clinical testing. Allele origin: germline.
Comment: This sequence change creates a premature translational stop signal (p.Glu112*) in the B3GAT3 gene. It is expected to result in an absent or disrupted protein product. Loss-of-function variants in B3GAT3 are known to be pathogenic (PMID: 25893793, 27871226). This variant is not present in population databases (gnomAD no frequency). This variant has not been reported in the literature in individuals affected with B3GAT3-related conditions. For these reasons, this variant has been classified as Pathogenic.

Literature cited by the submitters: PubMed 25893793 (cited by Labcorp Genetics (formerly Invitae), Labcorp); PubMed 27871226 (cited by Labcorp Genetics (formerly Invitae), Labcorp).